The following is an entry in ClinVar:

ClinVar aggregate classification (germline): Conflicting classifications of pathogenicity. Review status: criteria provided, conflicting classifications (1 of 4 stars). 7 submissions from 7 submitters: Uncertain significance (5); Benign (1). 1 of the submissions does not count toward it. Last evaluated 2026-01-28.

Conditions:
Hereditary cancer-predisposing syndrome. Also called: Hereditary neoplastic syndrome; Neoplastic Syndromes, Hereditary; Hereditary Cancer Syndrome; Tumor predisposition. Identifiers: Orphanet 140162, MedGen C0027672, MeSH D009386, MONDO:0015356.
Cardiovascular phenotype. Identifiers: MedGen CN230736.
Neurofibromatosis, type 1 (NF1). Also called: Neurofibromatosis, type I; NEUROFIBROMATOSIS, TYPE I, SOMATIC; Peripheral type neurofibromatosis; VON RECKLINGHAUSEN DISEASE. Identifiers: Orphanet 636, MedGen C0027831, MONDO:0018975, OMIM 162200. Disease mechanism: loss of function.

Allele frequency attached by ClinVar (database versions not stated): gnomAD exomes below 0.00001 and 0.00001; gnomAD 0.00001.
gnomAD v4.1: 3 of 1,613,934 alleles (0.00019%); highest among the groups gnomAD compares: Admixed American, 0.0033%; no homozygotes.

Submissions (7):

Labcorp Genetics (formerly Invitae), Labcorp
Classification: Benign for Neurofibromatosis, type 1. Last evaluated: 2026-01-28. Review status: criteria provided, single submitter. Criteria: Invitae Variant Classification Sherloc (09022015). Collection method: clinical testing. Allele origin: germline.

Quest Diagnostics Nichols Institute San Juan Capistrano
Classification: Uncertain significance. Last evaluated: 2025-05-30. Review status: criteria provided, single submitter. Criteria: Quest Diagnostics criteria. Collection method: clinical testing. Allele origin: unknown.

CeGaT Center for Human Genetics Tuebingen
Classification: Uncertain significance. Last evaluated: 2024-11-01. Review status: criteria provided, single submitter. Criteria: CeGaT Center For Human Genetics Tuebingen Variant Classification Criteria Version 2. Collection method: clinical testing. Allele origin: germline. Affected: yes. Observed: 1 variant allele.
Comment: NF1: PM1, PM5, PM2:Supporting

Ambry Genetics
Classification: Uncertain significance for Cardiovascular phenotype; Hereditary cancer-predisposing syndrome. Last evaluated: 2022-09-01. Review status: criteria provided, single submitter. Criteria: Ambry Variant Classification Scheme 2023. Collection method: clinical testing. Allele origin: germline.
Comment: The p.L380F variant (also known as c.1138C>T), located in coding exon 10 of the NF1 gene, results from a C to T substitution at nucleotide position 1138. The leucine at codon 380 is replaced by phenylalanine, an amino acid with highly similar properties. This amino acid position is highly conserved through mammals but not in all available vertebrate species. In addition, this alteration is predicted to be tolerated by in silico analysis. Since supporting evidence is limited at this time, the clinical significance of this alteration remains unclear.

GeneDx
Classification: Uncertain significance. Last evaluated: 2022-07-14. Review status: criteria provided, single submitter. Criteria: GeneDx Variant Classification Process June 2021. Collection method: clinical testing. Allele origin: germline. Affected: yes.
Comment: In silico analysis supports that this missense variant does not alter protein structure/function; Has not been previously published as a germline pathogenic or benign variant to our knowledge; This variant is associated with the following publications: (PMID: 33255857, 30978703)

Genome-Nilou Lab
Classification: Uncertain significance for Neurofibromatosis, type 1. Last evaluated: 2022-03-15. Review status: criteria provided, single submitter. Criteria: ACMG Guidelines, 2015. Collection method: clinical testing. Allele origin: germline. Affected: no.

Institute for Biomarker Research, Medical Diagnostic Laboratories, L.L.C.
Classification: Uncertain significance for Hereditary cancer-predisposing syndrome. Last evaluated: 2021-09-27. Review status: no assertion criteria provided. Collection method: clinical testing. Allele origin: germline. Not counted in ClinVar's aggregate classification.

NM_001042492.3(NF1):c.1138C>T (p.Leu380Phe)

Gene: NF1 (neurofibromin 1; plus strand). Cytogenetic location: 17q11.2.
Variant type: single nucleotide variant.
Coding change: c.1138C>T on transcript NM_001042492.3 (MANE Select); coding-DNA position 1138, C replaced by T.
Protein change: p.Leu380Phe; replaces leucine 380 with phenylalanine.
Molecular consequence: missense variant.
Genome position (GRCh38, 1-based): chr17:31,201,112, C>T. VCF-style: chr17-31201112-C-T. GRCh37 (hg19) VCF-style: chr17-29528130-C-T.
Other names: c.1138C>T, p.Leu380Phe (NM_000267.4, NM_001128147.3); short protein forms L380F.
Identifiers: ClinVar variation 457515 (VCV000457515.31), dbSNP rs1426127948, ClinGen allele CA398997070.
Genomic context (GRCh38, chr17:31,201,112, plus strand): 5'-CCAAGTAAGCCATTCTCAAGAGGCAGTCAGCCTGCAGATGTGGATCTAATGATTGACTGC[C>T]TTGTTTCTTGCTTTCGTATAAGCCCTCACAACAACCAACACTTTAAGGTGAGAGCATTGG-3'
Protein context (NP_001035957.1, residues 370-390): PADVDLMIDC[Leu380Phe]VSCFRISPHN